The following is an entry in ClinVar:

ClinVar aggregate classification (germline): Likely pathogenic (1 of 4 stars; one submission).

Conditions:
Glutaric aciduria, type 1. Also called: Glutaryl-CoA dehydrogenase deficiency; Glutaric Acidemia Type 1; Glutaricacidemia Type 1; GA I; Glutaric acidemia type I; Glutaricaciduria, type I. Identifiers: Orphanet 25, MedGen C0268595, MONDO:0009281, OMIM 231670.

Allele frequency attached by ClinVar (database versions not stated): gnomAD exomes below 0.00001; TOPMed below 0.00001.
gnomAD v4.1: 1 of 1,614,054 alleles (0.000062%); highest among the groups gnomAD compares: Non-Finnish European, 0.000085%; no homozygotes.

Submission:

Labcorp Genetics (formerly Invitae), Labcorp
Classification: Likely pathogenic for Glutaric aciduria, type 1. Last evaluated: 2021-12-21. Review status: criteria provided, single submitter. Criteria: Invitae Variant Classification Sherloc (09022015). Collection method: clinical testing. Allele origin: germline.
Comment: In summary, the currently available evidence indicates that the variant is pathogenic, but additional data are needed to prove that conclusively. Therefore, this variant has been classified as Likely Pathogenic. Algorithms developed to predict the effect of sequence changes on RNA splicing suggest that this variant may create or strengthen a splice site. Advanced modeling of protein sequence and biophysical properties (such as structural, functional, and spatial information, amino acid conservation, physicochemical variation, residue mobility, and thermodynamic stability) performed at Invitae indicates that this missense variant is expected to disrupt GCDH protein function. ClinVar contains an entry for this variant (Variation ID: 574498). This missense change has been observed in individual(s) with glutaric acidemia, type I (PMID: 29201125; Invitae). This variant is not present in population databases (gnomAD no frequency). This sequence change replaces asparagine, which is neutral and polar, with serine, which is neutral and polar, at codon 373 of the GCDH protein (p.Asn373Ser).

Literature cited by the submitters: PubMed 29201125.

NM_000159.4(GCDH):c.1118A>G (p.Asn373Ser)

Gene: GCDH (glutaryl-CoA dehydrogenase; plus strand). Cytogenetic location: 19p13.13.
Variant type: single nucleotide variant.
Coding change: c.1118A>G on transcript NM_000159.4 (MANE Select); coding-DNA position 1118, A replaced by G.
Protein change: p.Asn373Ser; replaces asparagine 373 with serine.
Molecular consequence: missense variant. On other transcripts: non-coding transcript variant (2).
Genome position (GRCh38, 1-based): chr19:12,897,738, A>G. VCF-style: chr19-12897738-A-G. GRCh37 (hg19) VCF-style: chr19-13008552-A-G.
Other names: c.1118A>G, p.Asn373Ser (NM_013976.5); short protein forms N373S.
Identifiers: ClinVar variation 574498 (VCV000574498.7), dbSNP rs1568429137, ClinGen allele CA404321351.